The following is an entry in ClinVar:

ClinVar aggregate classification (germline): Uncertain significance (1 of 4 stars; one submission).

Conditions:
Congenital myasthenic syndrome 2A. Also called: Myasthenic syndrome, congenital, 2a, slow-channel. Identifiers: Orphanet 590, MedGen C4225374, MONDO:0014581, OMIM 616313.

Allele frequency attached by ClinVar (database versions not stated): gnomAD exomes 0.00001; gnomAD 0.00001.

Submission:

Labcorp Genetics (formerly Invitae), Labcorp
Classification: Uncertain significance for Congenital myasthenic syndrome 2A. Last evaluated: 2022-06-19. Review status: criteria provided, single submitter. Criteria: Invitae Variant Classification Sherloc (09022015). Collection method: clinical testing. Allele origin: germline.
Comment: This sequence change replaces serine, which is neutral and polar, with leucine, which is neutral and non-polar, at codon 100 of the CHRNB1 protein (p.Ser100Leu). This variant is present in population databases (no rsID available, gnomAD 0.004%). This variant has not been reported in the literature in individuals affected with CHRNB1-related conditions. Advanced modeling of protein sequence and biophysical properties (such as structural, functional, and spatial information, amino acid conservation, physicochemical variation, residue mobility, and thermodynamic stability) performed at Invitae indicates that this missense variant is not expected to disrupt CHRNB1 protein function. In summary, the available evidence is currently insufficient to determine the role of this variant in disease. Therefore, it has been classified as a Variant of Uncertain Significance.

NM_000747.3(CHRNB1):c.299C>T (p.Ser100Leu)

Gene: CHRNB1 (cholinergic receptor nicotinic beta 1 subunit; plus strand). Cytogenetic location: 17p13.1.
Variant type: single nucleotide variant.
Coding change: c.299C>T on transcript NM_000747.3 (MANE Select); coding-DNA position 299, C replaced by T.
Protein change: p.Ser100Leu; replaces serine 100 with leucine.
Molecular consequence: missense variant.
Genome position (GRCh38, 1-based): chr17:7,446,888, C>T. VCF-style: chr17-7446888-C-T. GRCh37 (hg19) VCF-style: chr17-7350207-C-T.
Other names: short protein forms S100L.
Identifiers: ClinVar variation 2057766 (VCV002057766.4), dbSNP rs976605479, ClinGen allele CA287423817.